The following is an entry in ClinVar:

ClinVar aggregate classification (germline): Pathogenic (1 of 4 stars; one submission).

Conditions:
Charcot-Marie-Tooth disease type 2. Also called: Charcot-Marie-Tooth type 2. Identifiers: Orphanet 64746, MedGen C0270914, MONDO:0018993.

Submission:

Labcorp Genetics (formerly Invitae), Labcorp
Classification: Pathogenic for Charcot-Marie-Tooth disease type 2. Last evaluated: 2017-09-19. Review status: criteria provided, single submitter. Criteria: Invitae Variant Classification Sherloc (09022015). Collection method: clinical testing. Allele origin: germline.
Comment: A gross deletion of the genomic region encompassing the full coding sequence of the LMNA gene has been identified. The boundaries of this event are unknown as the deletion extends beyond the assayed region for this gene and therefore may encompass additional genes. This variant has not been reported in the literature in individuals with a LMNA-related disease. Loss-of-function variants in LMNA are known to be pathogenic (PMID: 23183350). For these reasons, this variant has been classified as Pathogenic.

NC_000001.11:g.(?_156114899)_(156139859_?)del

Genes: LMNA (lamin A/C; plus strand), LOC120893162 (Sharpr-MPRA regulatory region 4592; plus strand), LOC126805877 (MED14-independent group 3 enhancer GRCh37_chr1:156099693-156100892; plus strand), LOC129931597 (ATAC-STARR-seq lymphoblastoid silent region 1421; plus strand), LOC129931598 (ATAC-STARR-seq lymphoblastoid active region 1843; plus strand) and 2 more. Cytogenetic location: 1q22.
Variant type: Deletion.
Identifiers: ClinVar variation 543301 (VCV000543301.1).